The following is an entry in ClinVar:

ClinVar aggregate classification (germline): Likely benign. Review status: criteria provided, multiple submitters, no conflicts (2 of 4 stars). 3 submissions from 3 submitters: Likely benign (3). Last evaluated 2024-06-12.

Conditions:
Hypokalemic periodic paralysis, type 1. Also called: HypoPP; Hypokalemic Periodic Paralysis Type 1 (AD). Identifiers: Orphanet 681, MedGen C3714580, MONDO:0042979, OMIM 170400.
Malignant hyperthermia, susceptibility to, 5 (MHS5). Also called: CACNA1S-Related Malignant Hyperthermia Susceptibility. Identifiers: Orphanet 423, MedGen C1866077, MONDO:0011163, OMIM 601887.

Allele frequency attached by ClinVar (database versions not stated): ExAC 0.00001; gnomAD exomes 0.00001 and 0.00002.
gnomAD v4.1: 8 of 1,614,250 alleles (0.0005%); highest among the groups gnomAD compares: South Asian, 0.0088%; 1 homozygote.

Submissions (3):

Labcorp Genetics (formerly Invitae), Labcorp
Classification: Likely benign for Hypokalemic periodic paralysis, type 1; Malignant hyperthermia, susceptibility to, 5. Last evaluated: 2024-06-12. Review status: criteria provided, single submitter. Criteria: Invitae Variant Classification Sherloc (09022015). Collection method: clinical testing. Allele origin: germline.

All of Us Research Program, National Institutes of Health
Classification: Likely benign for Malignant hyperthermia, susceptibility to, 5. Last evaluated: 2023-10-06. Review status: criteria provided, single submitter. Criteria: ACMG Guidelines, 2015. Collection method: clinical testing. Allele origin: germline. Inheritance: Autosomal dominant inheritance. Observed: 1 variant allele, 1 homozygote.
Comment: This study involves interpretation of variants in research participants for the purpose of population health screening. Participant phenotype was not available at the time of variant classification. Additional details can be found in publication PMID: 35346344, PMCID: PMC8962531

Color Diagnostics, LLC DBA Color Health
Classification: Likely benign for Malignant hyperthermia, susceptibility to, 5. Last evaluated: 2023-09-20. Review status: criteria provided, single submitter. Criteria: ACMG Guidelines, 2015. Collection method: clinical testing. Allele origin: germline.

NM_000069.3(CACNA1S):c.4023G>A (p.Glu1341=)

Gene: CACNA1S (calcium voltage-gated channel subunit alpha1 S; minus strand). Cytogenetic location: 1q32.1.
Variant type: single nucleotide variant.
Coding change: c.4023G>A on transcript NM_000069.3 (MANE Select); coding-DNA position 4023, G replaced by A.
Protein change: p.Glu1341=; no amino-acid change (glutamic acid 1341 retained).
Molecular consequence: synonymous variant.
Genome position (GRCh38, 1-based): chr1:201,051,074, C>T on the plus strand (G>A on the coding strand, the complement: CACNA1S is on the minus strand). VCF-style: chr1-201051074-C-T. GRCh37 (hg19) VCF-style: chr1-201020202-C-T.
Identifiers: ClinVar variation 1541090 (VCV001541090.10), dbSNP rs753756026, ClinGen allele CA083037.